The following is an entry in ClinVar:

ClinVar aggregate classification (germline): Likely benign (1 of 4 stars; one submission).

Conditions:
Holoprosencephaly 12 with or without pancreatic agenesis. Identifiers: MedGen C5193131, MONDO:0032787, OMIM 618500.

Submission:

Centre for Medical Genetics,  Mumbai
Classification: Likely benign for Holoprosencephaly 12 with or without pancreatic agenesis. Last evaluated: 2025-12-01. Review status: criteria provided, single submitter. Criteria: ACMG Guidelines, 2015. Collection method: provider interpretation. Allele origin: germline. Inheritance: Autosomal dominant inheritance. Affected: no. Observed: 1 heterozygote.

Literature cited by the submitters: PubMed 32553196; PubMed 31006513.

NM_016284.5(CNOT1):c.3958A>G (p.Lys1320Glu)

Gene: CNOT1 (CCR4-NOT transcription complex subunit 1; minus strand). Cytogenetic location: 16q21.
Variant type: single nucleotide variant.
Coding change: c.3958A>G on transcript NM_016284.5 (MANE Select); coding-DNA position 3958, A replaced by G.
Protein change: p.Lys1320Glu; replaces lysine 1320 with glutamic acid.
Molecular consequence: missense variant. On other transcripts: non-coding transcript variant (1).
Genome position (GRCh38, 1-based): chr16:58,546,369, T>C on the plus strand (A>G on the coding strand, the complement: CNOT1 is on the minus strand). VCF-style: chr16-58546369-T-C. GRCh37 (hg19) VCF-style: chr16-58580273-T-C.
Other names: c.3943A>G, p.Lys1315Glu (NM_001265612.2); c.3958A>G, p.Lys1320Glu (NM_206999.3); short protein forms K1315E, K1320E.
Identifiers: ClinVar variation 4685523 (VCV004685523.1).